The following is an entry in ClinVar:

ClinVar aggregate classification (germline): Likely pathogenic (1 of 4 stars; one submission).

Conditions:
Inborn genetic diseases. Identifiers: MedGen C0950123, MeSH D030342.

Submission:

Ambry Genetics
Classification: Likely pathogenic for Inborn genetic diseases. Last evaluated: 2025-12-30. Review status: criteria provided, single submitter. Criteria: Ambry Variant Classification Scheme 2023. Collection method: clinical testing. Allele origin: germline.
Comment: The c.5441G>T (p.G1814V) alteration is located in exon 30 (coding exon 30) of the CHD8 gene. This alteration results from a G to T substitution at nucleotide position 5441, causing the glycine (G) at amino acid position 1814 to be replaced by a valine (V). This variant was not reported in population-based cohorts in the Genome Aggregation Database (gnomAD). This variant was determined to be de novo in at least one individual with features consistent with CHD8-related neurodevelopmental disorder (Ambry internal data). This amino acid position is highly conserved in available vertebrate species. This alteration is predicted to be deleterious by in silico analysis. Based on the available evidence, this alteration is classified as likely pathogenic.

NM_001170629.2(CHD8):c.5441G>T (p.Gly1814Val)

Gene: CHD8 (chromodomain helicase DNA binding protein 8; minus strand). Cytogenetic location: 14q11.2.
Variant type: single nucleotide variant.
Coding change: c.5441G>T on transcript NM_001170629.2 (MANE Select); coding-DNA position 5441, G replaced by T.
Protein change: p.Gly1814Val; replaces glycine 1814 with valine.
Molecular consequence: missense variant.
Genome position (GRCh38, 1-based): chr14:21,394,435, C>A on the plus strand (G>T on the coding strand, the complement: CHD8 is on the minus strand). VCF-style: chr14-21394435-C-A. GRCh37 (hg19) VCF-style: chr14-21862594-C-A.
Other names: c.4604G>T, p.Gly1535Val (NM_020920.4); short protein forms G1535V, G1814V.
Identifiers: ClinVar variation 4614907 (VCV004614907.2).